The following is an entry in ClinVar:

ClinVar aggregate classification (germline): Uncertain significance (1 of 4 stars; one submission).

Conditions:
Tumor predisposition syndrome 3 (TPDS3). Also called: Glioma susceptibility 9; LONG TELOMERE SYNDROME, POT1-RELATED; POT1 Tumor Predisposition; Melanoma, cutaneous malignant, susceptibility to, 10. Identifiers: Orphanet 618, MedGen C4014476, MONDO:0014368, OMIM 615848.

Submission:

Labcorp Genetics (formerly Invitae), Labcorp
Classification: Uncertain significance for Tumor predisposition syndrome 3. Last evaluated: 2025-01-17. Review status: criteria provided, single submitter. Criteria: Invitae Variant Classification Sherloc (09022015). Collection method: clinical testing. Allele origin: germline.
Comment: This sequence change replaces lysine, which is basic and polar, with asparagine, which is neutral and polar, at codon 18 of the POT1 protein (p.Lys18Asn). This variant is not present in population databases (gnomAD no frequency). This variant has not been reported in the literature in individuals affected with POT1-related conditions. Invitae Evidence Modeling of protein sequence and biophysical properties (such as structural, functional, and spatial information, amino acid conservation, physicochemical variation, residue mobility, and thermodynamic stability) indicates that this missense variant is not expected to disrupt POT1 protein function with a negative predictive value of 80%. In summary, the available evidence is currently insufficient to determine the role of this variant in disease. Therefore, it has been classified as a Variant of Uncertain Significance.

NM_015450.3(POT1):c.54G>T (p.Lys18Asn)

Gene: POT1 (protection of telomeres 1; minus strand). Cytogenetic location: 7q31.33.
Variant type: single nucleotide variant.
Coding change: c.54G>T on transcript NM_015450.3 (MANE Select); coding-DNA position 54, G replaced by T.
Protein change: p.Lys18Asn; replaces lysine 18 with asparagine.
Molecular consequence: missense variant. On other transcripts: 5 prime UTR variant (1), non-coding transcript variant (3).
Genome position (GRCh38, 1-based): chr7:124,892,336, C>A on the plus strand (G>T on the coding strand, the complement: POT1 is on the minus strand). VCF-style: chr7-124892336-C-A. GRCh37 (hg19) VCF-style: chr7-124532390-C-A.
Other names: c.-209G>T (NM_001042594.2); short protein forms K18N.
Identifiers: ClinVar variation 3666290 (VCV003666290.2).